The following is an entry in ClinVar:

ClinVar aggregate classification (germline): Pathogenic. Review status: criteria provided, multiple submitters, no conflicts (2 of 4 stars). 2 submissions from 2 submitters: Pathogenic (2). Last evaluated 2025-01-23.

Conditions:
Ataxia-telangiectasia syndrome (AT). Also called: LOUIS-BAR SYNDROME; Cerebello-oculocutaneous telangiectasia; Immunodeficiency with ataxia telangiectasia; Ataxia-telangiectasia, complementation group D; AT, COMPLEMENTATION GROUP C; Ataxia-telangiectasia. Identifiers: Orphanet 100, MedGen C0004135, MONDO:0008840, OMIM 208900.

Submissions (2):

Labcorp Genetics (formerly Invitae), Labcorp
Classification: Pathogenic for Ataxia-telangiectasia syndrome. Last evaluated: 2025-01-23. Review status: criteria provided, single submitter. Criteria: Invitae Variant Classification Sherloc (09022015). Collection method: clinical testing. Allele origin: germline.
Comment: This sequence change creates a premature translational stop signal (p.Ser1863Leufs*54) in the ATM gene. It is expected to result in an absent or disrupted protein product. Loss-of-function variants in ATM are known to be pathogenic (PMID: 23807571, 25614872). This variant is not present in population databases (gnomAD no frequency). This premature translational stop signal has been observed in individual(s) with clinical features of ATM-related conditions (PMID: 33547824, 36790564). For these reasons, this variant has been classified as Pathogenic.

GeneDx
Classification: Pathogenic. Last evaluated: 2024-05-10. Review status: criteria provided, single submitter. Criteria: GeneDx Variant Classification Process June 2021. Collection method: clinical testing. Allele origin: germline. Affected: yes.
Comment: Frameshift variant predicted to result in protein truncation or nonsense mediated decay in a gene for which loss of function is a known mechanism of disease; Not observed at significant frequency in large population cohorts (gnomAD); Truncating variants in this gene are considered pathogenic by a well-established clinical consortium and/or database; Also known as c.5585delA; This variant is associated with the following publications: (PMID: 26993986, 36790564, 33547824)

Literature cited by the submitters: PubMed 23807571 (cited by Labcorp Genetics (formerly Invitae), Labcorp); PubMed 25614872 (cited by Labcorp Genetics (formerly Invitae), Labcorp); PubMed 33547824 (cited by Labcorp Genetics (formerly Invitae), Labcorp); PubMed 36790564 (cited by Labcorp Genetics (formerly Invitae), Labcorp).

NM_000051.4(ATM):c.5587del (p.Ser1863fs)

Gene: ATM (ATM serine/threonine kinase; plus strand). Cytogenetic location: 11q22.3.
Variant type: Deletion.
Coding change: c.5587del on transcript NM_000051.4 (MANE Select); coding-DNA position 5587, one base deleted (T; older notation c.5587delT).
Protein change: p.Ser1863fs; shifts the reading frame from serine 1863.
Molecular consequence: frameshift variant.
Genome position (GRCh38, 1-based): chr11:108,304,765, T deleted; the last of 3 consecutive T bases (chr11:108,304,763-108,304,765); deleting any one gives the same sequence. VCF-style (leftmost placement, unchanged base first): chr11-108304762-CT-C. GRCh37 (hg19) VCF-style: chr11-108175489-CT-C.
Other names: c.5587delT, p.Ser1863Leufs (NM_000051.3); c.5587del, p.Ser1863fs (NM_001351834.2); short protein forms S1863fs.
Identifiers: ClinVar variation 3375801 (VCV003375801.3).
Genomic context (GRCh38, chr11:108,304,762, plus strand): 5'-CTTCCATACTTGATTCATGATATTTTACTCCAAGATACAAATGAATCATGGAGAAATCTG[CT>C]TTCTACACATGTTCAGGGATTTTTCACCAGCTGTCTTCGACACTTCTCGCAAACGAGCCG-3'